The following is an entry in ClinVar:

NM_005502.4(ABCA1):c.6190C>T (p.Pro2064Ser)

Genes: ABCA1 (ATP binding cassette subfamily A member 1; minus strand), NIPSNAP3B (nipsnap homolog 3B; plus strand). Cytogenetic location: 9q31.1.
Variant type: single nucleotide variant.
Coding change: c.6190C>T on transcript NM_005502.4 (MANE Select); coding-DNA position 6190, C replaced by T.
Protein change: p.Pro2064Ser; replaces proline 2064 with serine.
Molecular consequence: missense variant.
Genome position (GRCh38, 1-based): chr9:104,787,934, G>A on the plus strand (C>T on the coding strand, the complement: ABCA1 is on the minus strand). VCF-style: chr9-104787934-G-A. GRCh37 (hg19) VCF-style: chr9-107550215-G-A.
Other names: short protein forms P2064S.
Identifiers: ClinVar variation 3366455 (VCV003366455.1).

ClinVar aggregate classification (germline): Uncertain significance (1 of 4 stars; one submission).

gnomAD v4.1: 1 of 1,614,002 alleles (0.000062%); highest among the groups gnomAD compares: Non-Finnish European, 0.000085%; no homozygotes.

Submission:

Women's Health and Genetics/Laboratory Corporation of America, LabCorp
Classification: Uncertain significance. Last evaluated: 2024-08-07. Review status: criteria provided, single submitter. Criteria: LabCorp Variant Classification Summary - May 2015. Collection method: clinical testing. Allele origin: germline.
Comment: Variant summary: ABCA1 c.6190C>T (p.Pro2064Ser) results in a non-conservative amino acid change located in the AAA+ ATPase domain (IPR003439) of the encoded protein sequence. Three of five in-silico tools predict a benign effect of the variant on protein function. The variant was absent in 251310 control chromosomes. The available data on variant occurrences in the general population are insufficient to allow any conclusion about variant significance. To our knowledge, no occurrence of c.6190C>T in individuals affected with Tangier Disease and no experimental evidence demonstrating its impact on protein function have been reported. No submitters have cited clinical-significance assessments for this variant to ClinVar. Based on the evidence outlined above, the variant was classified as uncertain significance.